The following is an entry in ClinVar:

ClinVar aggregate classification (germline): Uncertain significance (1 of 4 stars; one submission).

Conditions:
Atrioventricular septal defect 4 (AVSD4). Identifiers: MedGen C3280781, MONDO:0013747, OMIM 614430.

Submission:

Labcorp Genetics (formerly Invitae), Labcorp
Classification: Uncertain significance for Atrioventricular septal defect 4. Last evaluated: 2023-06-29. Review status: criteria provided, single submitter. Criteria: Invitae Variant Classification Sherloc (09022015). Collection method: clinical testing. Allele origin: germline.
Comment: In summary, the available evidence is currently insufficient to determine the role of this variant in disease. Therefore, it has been classified as a Variant of Uncertain Significance. This variant has not been reported in the literature in individuals affected with GATA4-related conditions. This variant is not present in population databases (gnomAD no frequency). This variant, c.360_374dup, results in the insertion of 5 amino acid(s) of the GATA4 protein (p.Ala122_Ala126dup), but otherwise preserves the integrity of the reading frame.

NM_001308093.3(GATA4):c.360_374dup (p.Ala126_Arg127insAlaAlaAlaAlaAla)

Gene: GATA4 (GATA binding protein 4). Cytogenetic location: 8p23.1.
Variant type: Duplication.
Coding change: c.360_374dup on transcript NM_001308093.3 (MANE Select); coding-DNA positions 360 to 374, 15 bases duplicated.
Protein change: p.Ala126_Arg127insAlaAlaAlaAlaAla.
Molecular consequence: inframe insertion. On other transcripts: intron variant (3).
Genome position: GRCh38 VCF-style: chr8-11708666-G-GGCCGCCGCCGCCGCT. GRCh37 (hg19) VCF-style: chr8-11566175-G-GGCCGCCGCCGCCGCT.
Other names: c.360_374dup, p.Ala126_Arg127insAlaAlaAlaAlaAla (NM_002052.5); c.-6+7894_-6+7908dup (NM_001308094.2); c.-3+658_-3+672dup (NM_001374274.1); c.-3+4368_-3+4382dup (NM_001374273.1).
Identifiers: ClinVar variation 2733391 (VCV002733391.3), dbSNP rs2486780753, ClinGen allele CA2697549753.